The following is an entry in ClinVar:

NM_001304438.2(TMEM132E):c.1441G>A (p.Ala481Thr)

Gene: TMEM132E (transmembrane protein 132E; plus strand). Cytogenetic location: 17q12.
Variant type: single nucleotide variant.
Coding change: c.1441G>A on transcript NM_001304438.2 (MANE Select); coding-DNA position 1441, G replaced by A.
Protein change: p.Ala481Thr; replaces alanine 481 with threonine.
Molecular consequence: missense variant.
Genome position (GRCh38, 1-based): chr17:34,630,110, G>A. VCF-style: chr17-34630110-G-A. GRCh37 (hg19) VCF-style: chr17-32957129-G-A.
Other names: c.1441G>A (NM_001304438.1); short protein forms A481T.
Identifiers: ClinVar variation 1468286 (VCV001468286.4), dbSNP rs764343494, ClinGen allele CA8496700.
Genomic context (GRCh38, chr17:34,630,110, plus strand): 5'-GTGGCCATCCCTGTCAAGGTCATTGCCATCGAGGTGAATGGCCTCGTCCTGGACATCTCC[G>A]CCCTAGTGGAATGCGAGTCTGACAATGAAGACATCATCAAGGTGGGCATCCTGGAGGTGG-3'
Protein context (NP_001291367.1, residues 471-491): EVNGLVLDIS[Ala481Thr]LVECESDNED

ClinVar aggregate classification (germline): Uncertain significance. Review status: criteria provided, multiple submitters, no conflicts (2 of 4 stars). 2 submissions from 2 submitters: Uncertain significance (2). Last evaluated 2025-01-19.

Conditions:
TMEM132E-related disorder. Also called: TMEM132E-related condition.

Allele frequency attached by ClinVar (database versions not stated): gnomAD exomes 0.00003 and 0.00004; ExAC 0.00004.

Submissions (2):

PreventionGenetics, part of Exact Sciences
Classification: Uncertain significance for TMEM132E-related condition. Last evaluated: 2025-01-19. Review status: criteria provided, single submitter. Criteria: ACMG Guidelines, 2015. Collection method: clinical testing. Allele origin: germline.
Comment: The TMEM132E c.1441G>A variant is predicted to result in the amino acid substitution p.Ala481Thr. To our knowledge, this variant has not been reported in the literature. This variant is reported in 0.0093% of alleles in individuals of European (Non-Finnish) descent in gnomAD. At this time, the clinical significance of this variant is uncertain due to the absence of conclusive functional and genetic evidence.

Labcorp Genetics (formerly Invitae), Labcorp
Classification: Uncertain significance. Last evaluated: 2021-08-15. Review status: criteria provided, single submitter. Criteria: Invitae Variant Classification Sherloc (09022015). Collection method: clinical testing. Allele origin: germline.
Comment: This sequence change replaces alanine with threonine at codon 481 of the TMEM132E protein (p.Ala481Thr). The alanine residue is weakly conserved and there is a small physicochemical difference between alanine and threonine. This variant is present in population databases (rs764343494, ExAC 0.008%). This variant has not been reported in the literature in individuals affected with TMEM132E-related conditions. Algorithms developed to predict the effect of missense changes on protein structure and function are either unavailable or do not agree on the potential impact of this missense change (SIFT: "Tolerated"; PolyPhen-2: "Not Available"; Align-GVGD: "Class C0"). In summary, the available evidence is currently insufficient to determine the role of this variant in disease. Therefore, it has been classified as a Variant of Uncertain Significance.